The following is an entry in ClinVar:

NM_138369.3(BOD1):c.474G>A (p.Ala158=)

Gene: BOD1 (biorientation of chromosomes in cell division 1; minus strand). Cytogenetic location: 5q35.2.
Variant type: single nucleotide variant.
Coding change: c.474G>A on transcript NM_138369.3 (MANE Select); coding-DNA position 474, G replaced by A.
Protein change: p.Ala158=; no amino-acid change (alanine 158 retained).
Molecular consequence: synonymous variant. On other transcripts: non-coding transcript variant (4), intron variant (1).
Genome position (GRCh38, 1-based): chr5:173,609,323, C>T on the plus strand (G>A on the coding strand, the complement: BOD1 is on the minus strand). VCF-style: chr5-173609323-C-T. GRCh37 (hg19) VCF-style: chr5-173036326-C-T.
Other names: c.363-1031G>A (NM_001159651.3).
Identifiers: ClinVar variation 3042683 (VCV003042683.2), dbSNP rs114918239, ClinGen allele CA3564207.
Genomic context (GRCh38, chr5:173,609,323, plus strand): 5'-TGGAGGGTCCTGGCCTTCGGGCTCTGGAGGGGGTGCTGGCACAGCTGCTTTTTTCTGGGC[C>T]GCCAGGAACTCATGAATTGCTCGTTCTATTTGTGGCCTGAAGATGTGGTTAAGTTTTGGA-3'
Protein context (NP_612378.1, residues 148-168): QIERAIHEFL[Ala158=]AQKKAAVPAP

ClinVar aggregate classification (germline): Likely benign (0 of 4 stars; one submission).

Conditions:
BOD1-related disorder. Also called: BOD1-related condition.

Allele frequency attached by ClinVar (database versions not stated): gnomAD exomes 0.00021; gnomAD 0.00079; ExAC 0.00148; ESP Exome Variant Server 0.00331.

Submission:

PreventionGenetics, part of Exact Sciences
Classification: Likely benign for BOD1-related condition. Last evaluated: 2019-04-11. Review status: no assertion criteria provided. Collection method: clinical testing. Allele origin: germline.
Comment: This variant is classified as likely benign based on ACMG/AMP sequence variant interpretation guidelines (Richards et al. 2015 PMID: 25741868, with internal and published modifications).